The following is an entry in ClinVar:

NM_002382.5(MAX):c.*344T>A

Gene: MAX (MYC associated transcriptional regulator X; minus strand). Cytogenetic location: 14q23.3.
Variant type: single nucleotide variant.
Coding change: c.*344T>A on transcript NM_002382.5 (MANE Select); 344 bases downstream of the stop codon, T replaced by A.
Molecular consequence: 3 prime UTR variant. On other transcripts: intron variant (2).
Genome position (GRCh38, 1-based): chr14:65,076,132, A>T on the plus strand (T>A on the coding strand, the complement: MAX is on the minus strand). VCF-style: chr14-65076132-A-T. GRCh37 (hg19) VCF-style: chr14-65542850-A-T.
Other names: c.*344T>A (NM_001320415.2, NM_001407094.1, NM_001407095.1 and 7 more transcripts); c.*600T>A (NM_001407096.1, NM_001407099.1, NM_001407102.1 and 2 more transcripts); c.*616T>A (NM_001407097.1, NM_001407100.1, NM_001407101.1 and 4 more transcripts); c.144+17576T>A (NM_001271069.2); c.171+17576T>A (NM_197957.4).
Identifiers: ClinVar variation 313809 (VCV000313809.6), dbSNP rs561238353, ClinGen allele CA10640654.

ClinVar aggregate classification (germline): Benign (1 of 4 stars; one submission).

Conditions:
Pheochromocytoma. Also called: MAX-Related Hereditary Paraganglioma-Pheochromocytoma Syndrome. Identifiers: Orphanet 29072, MedGen C0031511, MONDO:0008233, OMIM 171300, HP:0002666.

Allele frequency attached by ClinVar (database versions not stated): gnomAD below 0.00001 and 0.00012; TOPMed 0.00001; gnomAD exomes 0.00026; 1000 Genomes Project 30x 0.00125; 1000 Genomes Project 0.00140.
gnomAD v4.1: 308 of 1,309,006 alleles (0.024%); highest among the groups gnomAD compares: South Asian, 0.55%; 5 homozygotes.

Submission:

Illumina Laboratory Services, Illumina
Classification: Benign for Pheochromocytoma. Last evaluated: 2018-01-13. Review status: criteria provided, single submitter. Criteria: ICSL Variant Classification Criteria 13 December 2019. Collection method: clinical testing. Allele origin: germline.
Comment: This variant was observed in the ICSL laboratory as part of a predisposition screen in an ostensibly healthy population. It had not been previously curated by ICSL or reported in the Human Gene Mutation Database (HGMD: prior to June 1st, 2018), and was therefore a candidate for classification through an automated scoring system. Utilizing variant allele frequency, disease prevalence and penetrance estimates, and inheritance mode, an automated score was calculated to assess if this variant is too frequent to cause the disease. Based on the score and internal cut-off values, a variant classified as benign is not then subjected to further curation. The score for this variant resulted in a classification of benign for this disease.